The following is an entry in ClinVar:

NM_003111.5(SP3):c.490A>G (p.Thr164Ala)

Gene: SP3 (Sp3 transcription factor; minus strand). Cytogenetic location: 2q31.1.
Variant type: single nucleotide variant.
Coding change: c.490A>G on transcript NM_003111.5 (MANE Select); coding-DNA position 490, A replaced by G.
Protein change: p.Thr164Ala; replaces threonine 164 with alanine.
Molecular consequence: missense variant.
Genome position (GRCh38, 1-based): chr2:173,956,022, T>C on the plus strand (A>G on the coding strand, the complement: SP3 is on the minus strand). VCF-style: chr2-173956022-T-C. GRCh37 (hg19) VCF-style: chr2-174820750-T-C.
Other names: c.286A>G, p.Thr96Ala (NM_001017371.5); c.481A>G, p.Thr161Ala (NM_001172712.1); short protein forms T161A, T164A, T96A.
Identifiers: ClinVar variation 1243484 (VCV001243484.3), dbSNP rs1047640, ClinGen allele CA1971847.

ClinVar aggregate classification (germline): Benign. Review status: criteria provided, multiple submitters, no conflicts (2 of 4 stars). 2 submissions from 2 submitters: Benign (2). Last evaluated 2019-01-11.

Allele frequency attached by ClinVar (database versions not stated): ESP Exome Variant Server 0.08796; TOPMed 0.09915; gnomAD 0.10259 and 0.10655; 1000 Genomes Project 30x 0.12258; 1000 Genomes Project 0.12879; gnomAD exomes 0.13145 and 0.13541; ExAC 0.13222.
gnomAD v4.1: 207,687 of 1,614,096 alleles (13%); highest among the groups gnomAD compares: East Asian, 32%; 14,870 homozygotes.

Submissions (2):

GeneDx
Classification: Benign. Last evaluated: 2019-01-11. Review status: criteria provided, single submitter. Criteria: GeneDx Variant Classification Process June 2021. Collection method: clinical testing. Allele origin: germline. Affected: yes.
Comment: This variant is associated with the following publications: (PMID: 29874175)

Breakthrough Genomics
Classification: Benign. Review status: criteria provided, single submitter. Criteria: ACMG Guidelines, 2015. Collection method: not provided. Allele origin: germline. Inheritance: Unknown mechanism. Affected: yes.